The following is an entry in ClinVar:

NM_001999.4(FBN2):c.68C>A (p.Ala23Glu)

Gene: FBN2 (fibrillin 2; minus strand). Cytogenetic location: 5q23.3.
Variant type: single nucleotide variant.
Coding change: c.68C>A on transcript NM_001999.4 (MANE Select); coding-DNA position 68, C replaced by A.
Protein change: p.Ala23Glu; replaces alanine 23 with glutamic acid.
Molecular consequence: missense variant.
Genome position (GRCh38, 1-based): chr5:128,537,536, G>T on the plus strand (C>A on the coding strand, the complement: FBN2 is on the minus strand). VCF-style: chr5-128537536-G-T. GRCh37 (hg19) VCF-style: chr5-127873229-G-T.
Other names: short protein forms A23E.
Identifiers: ClinVar variation 1039837 (VCV001039837.9), dbSNP rs199560824, ClinGen allele CA360763165.

ClinVar aggregate classification (germline): Uncertain significance (1 of 4 stars; one submission).

Conditions:
Congenital contractural arachnodactyly (CCA). Also called: BEALS SYNDROME; Beals-Hecht syndrome; Arthrogryposis, distal, type 9. Identifiers: Orphanet 115, MedGen C0220668, MONDO:0007363, OMIM 121050.

gnomAD v4.1: 2 of 1,590,822 alleles (0.00013%); highest among the groups gnomAD compares: Admixed American, 0.0035%; no homozygotes.

Submission:

Labcorp Genetics (formerly Invitae), Labcorp
Classification: Uncertain significance for Congenital contractural arachnodactyly. Last evaluated: 2025-08-15. Review status: criteria provided, single submitter. Criteria: Invitae Variant Classification Sherloc (09022015). Collection method: clinical testing. Allele origin: germline.
Comment: This sequence change replaces alanine, which is neutral and non-polar, with glutamic acid, which is acidic and polar, at codon 23 of the FBN2 protein (p.Ala23Glu). This variant is not present in population databases (gnomAD no frequency). This variant has not been reported in the literature in individuals affected with FBN2-related conditions. ClinVar contains an entry for this variant (Variation ID: 1039837). Invitae Evidence Modeling of protein sequence and biophysical properties (such as structural, functional, and spatial information, amino acid conservation, physicochemical variation, residue mobility, and thermodynamic stability) indicates that this missense variant is not expected to disrupt FBN2 protein function with a negative predictive value of 95%. In summary, the available evidence is currently insufficient to determine the role of this variant in disease. Therefore, it has been classified as a Variant of Uncertain Significance.